The following is an entry in ClinVar:

NM_001009944.3(PKD1):c.7223G>A (p.Arg2408His)

Gene: PKD1 (polycystin 1, transient receptor potential channel interacting; minus strand). Cytogenetic location: 16p13.3.
Variant type: single nucleotide variant.
Coding change: c.7223G>A on transcript NM_001009944.3 (MANE Select); coding-DNA position 7223, G replaced by A.
Protein change: p.Arg2408His; replaces arginine 2408 with histidine.
Molecular consequence: missense variant.
Genome position (GRCh38, 1-based): chr16:2,106,664, C>T on the plus strand (G>A on the coding strand, the complement: PKD1 is on the minus strand). VCF-style: chr16-2106664-C-T. GRCh37 (hg19) VCF-style: chr16-2156665-C-T.
Other names: c.7223G>A, p.Arg2408His (NM_000296.4); short protein forms R2408H.
Identifiers: ClinVar variation 3579280 (VCV003579280.2).
Genomic context (GRCh38, chr16:2,106,664, plus strand): 5'-CCTGCACTGCCCGTGGATGTGGTGGTCTCATCCAGCACCAGCGTCTTGTTGCTGAACGTA[C>T]GTGCAGCCCACCGCTGCAGGCAGAAGGGGTGGTGAGGGGGCGCAACCCTCTGCCCTGTCA-3'
Protein context (NP_001009944.3, residues 2398-2418): SGSKRGRWAA[Arg2408His]TFSNKTLVLD

ClinVar aggregate classification (germline): Conflicting classifications of pathogenicity. Review status: criteria provided, conflicting classifications (1 of 4 stars). 2 submissions from 2 submitters: Uncertain significance (1); Likely benign (1). Last evaluated 2026-08-23.

Conditions:
PKD1-related disorder. Also called: PKD1-related condition.
Polycystic kidney disease, adult type (PKD1). Also called: Polycystic Kidney Disease 1, Autosomal Dominant; Polycystic kidney disease 1; Polycystic kidney disease 1, severe; Polycystic Kidney, Autosomal Dominant; POLYCYSTIC KIDNEY DISEASE, ADULT, TYPE I; POLYCYSTIC KIDNEY DISEASE 1 WITH OR WITHOUT POLYCYSTIC LIVER DISEASE. Identifiers: MedGen C3149841, MONDO:0008263, OMIM 173900.

gnomAD v4.1: 64 of 1,596,220 alleles (0.004%); highest among the groups gnomAD compares: South Asian, 0.037%; no homozygotes.

Submissions (2):

PreventionGenetics, part of Exact Sciences
Classification: Uncertain significance for PKD1-related condition. Last evaluated: 2026-08-23. Review status: criteria provided, single submitter. Criteria: ACMG Guidelines, 2015. Collection method: clinical testing. Allele origin: germline.
Comment: The PKD1 c.7223G>A variant is predicted to result in the amino acid substitution p.Arg2408His. This variant has been reported in a fetus with two benign or likely benign PKD2 variants in a genetic study of fetal polycystic kidney disease (Kim et al. 2025. PubMed ID: 41470147). Of note, a different substitution at the same codon, defined as c.7222C>T (p.Arg2408Cys), was reported in individuals with coronary artery dissection or polycystic kidney disease, but the clinical significance is unknown (Carss et al. 2020. PubMed ID: 33125268; Chang et al. 2022. PubMed ID: 36573973; Phakdeekitcharoen et al. 2000. PubMed ID: 11012875). The c.7223G>A (p.Arg2408His) variant is reported in 0.028% of alleles in individuals of South Asian descent in gnomAD. Although we suspect that this variant may be benign, at this time, the clinical significance of this variant is uncertain due to the absence of conclusive functional and genetic evidence.

Fulgent Genetics
Classification: Likely benign for Polycystic kidney disease, adult type. Last evaluated: 2024-06-05. Review status: criteria provided, single submitter. Criteria: ACMG Guidelines, 2015. Collection method: clinical testing. Allele origin: germline.